The following is an entry in ClinVar:

ClinVar aggregate classification (germline): Uncertain significance (1 of 4 stars; one submission).

Submission:

GeneDx
Classification: Uncertain significance. Last evaluated: 2026-02-26. Review status: criteria provided, single submitter. Criteria: GeneDx Variant Classification Process June 2021. Collection method: clinical testing. Allele origin: germline.
Comment: Not observed at significant frequency in large population cohorts (gnomAD); In silico analysis suggests that this missense variant does not alter protein structure/function; Has not been previously published as pathogenic or benign to our knowledge

NM_015267.4(CUX2):c.1266C>A (p.Asp422Glu)

Gene: CUX2 (cut like homeobox 2; plus strand). Cytogenetic location: 12q24.12.
Variant type: single nucleotide variant.
Coding change: c.1266C>A on transcript NM_015267.4 (MANE Select); coding-DNA position 1266, C replaced by A.
Protein change: p.Asp422Glu; replaces aspartic acid 422 with glutamic acid.
Molecular consequence: missense variant.
Genome position (GRCh38, 1-based): chr12:111,310,048, C>A. VCF-style: chr12-111310048-C-A. GRCh37 (hg19) VCF-style: chr12-111747852-C-A.
Other names: c.1080C>A, p.Asp360Glu (NM_001370598.1); short protein forms D422E, D360E.
Identifiers: ClinVar variation 5008150 (VCV005008150.1).